The following is an entry in ClinVar:

NM_005984.5(SLC25A1):c.769C>T (p.Arg257Trp)

Gene: SLC25A1 (solute carrier family 25 member 1; minus strand). Cytogenetic location: 22q11.21.
Variant type: single nucleotide variant.
Coding change: c.769C>T on transcript NM_005984.5 (MANE Select); coding-DNA position 769, C replaced by T.
Protein change: p.Arg257Trp; replaces arginine 257 with tryptophan.
Molecular consequence: missense variant. On other transcripts: non-coding transcript variant (1).
Genome position (GRCh38, 1-based): chr22:19,176,473, G>A on the plus strand (C>T on the coding strand, the complement: SLC25A1 is on the minus strand). VCF-style: chr22-19176473-G-A. GRCh37 (hg19) VCF-style: chr22-19163986-G-A.
Other names: c.790C>T, p.Arg264Trp (NM_001256534.2); c.460C>T, p.Arg154Trp (NM_001287387.2); short protein forms R264W, R257W, R154W.
Identifiers: ClinVar variation 2074422 (VCV002074422.2), dbSNP rs782060970, ClinGen allele CA10097298.

ClinVar aggregate classification (germline): Uncertain significance (1 of 4 stars; one submission).

Allele frequency attached by ClinVar (database versions not stated): gnomAD 0.00001; gnomAD exomes 0.00003; TOPMed 0.00003; ExAC 0.00004.

Submission:

Labcorp Genetics (formerly Invitae), Labcorp
Classification: Uncertain significance. Last evaluated: 2022-07-11. Review status: criteria provided, single submitter. Criteria: Invitae Variant Classification Sherloc (09022015). Collection method: clinical testing. Allele origin: germline.
Comment: This variant is present in population databases (rs782060970, gnomAD 0.03%). This sequence change replaces arginine, which is basic and polar, with tryptophan, which is neutral and slightly polar, at codon 257 of the SLC25A1 protein (p.Arg257Trp). This variant has not been reported in the literature in individuals affected with SLC25A1-related conditions. In summary, the available evidence is currently insufficient to determine the role of this variant in disease. Therefore, it has been classified as a Variant of Uncertain Significance. Algorithms developed to predict the effect of missense changes on protein structure and function are either unavailable or do not agree on the potential impact of this missense change (SIFT: "Deleterious"; PolyPhen-2: "Possibly Damaging"; Align-GVGD: "Class C0").